The following is an entry in ClinVar:

NM_003072.5(SMARCA4):c.806C>A (p.Pro269His)

Gene: SMARCA4 (SWI/SNF related BAF chromatin remodeling complex subunit ATPase 4; plus strand). Cytogenetic location: 19p13.2.
Variant type: single nucleotide variant.
Coding change: c.806C>A on transcript NM_003072.5 (MANE Select); coding-DNA position 806, C replaced by A.
Protein change: p.Pro269His; replaces proline 269 with histidine.
Molecular consequence: missense variant. On other transcripts: non-coding transcript variant (1).
Genome position (GRCh38, 1-based): chr19:10,986,950, C>A. VCF-style: chr19-10986950-C-A. GRCh37 (hg19) VCF-style: chr19-11097626-C-A.
Other names: c.806C>A, p.Pro269His (NM_001128844.3, NM_001128845.2, NM_001128846.2 and 6 more transcripts); short protein forms P269H.
Identifiers: ClinVar variation 3320720 (VCV003320720.1).
Genomic context (GRCh38, chr19:10,986,950, plus strand): 5'-TCTCCCTACATGTAGGTATGGGAGGGCCCAACATGCCTCCCCCAGGACCCTCGGGCGTGC[C>A]CCCCGGGATGCCAGGCCAGCCTCCTGGAGGGCCTCCCAAGCCCTGGCCTGAAGGTGAGCT-3'
Protein context (NP_003063.2, residues 259-279): NMPPPGPSGV[Pro269His]PGMPGQPPGG

ClinVar aggregate classification (germline): Uncertain significance (1 of 4 stars; one submission).

Conditions:
Hereditary cancer-predisposing syndrome. Also called: Neoplastic Syndromes, Hereditary; Tumor predisposition; Hereditary neoplastic syndrome; Hereditary Cancer Syndrome. Identifiers: Orphanet 140162, MedGen C0027672, MeSH D009386, MONDO:0015356.

Submission:

Ambry Genetics
Classification: Uncertain significance for Hereditary cancer-predisposing syndrome. Last evaluated: 2024-04-14. Review status: criteria provided, single submitter. Criteria: Ambry Variant Classification Scheme 2023. Collection method: clinical testing. Allele origin: germline.
Comment: The p.P269H variant (also known as c.806C>A), located in coding exon 4 of the SMARCA4 gene, results from a C to A substitution at nucleotide position 806. The proline at codon 269 is replaced by histidine, an amino acid with similar properties. This amino acid position is conserved. In addition, the in silico prediction for this alteration is inconclusive. Based on the available evidence, the clinical significance of this variant remains unclear.